The following is an entry in ClinVar:

ClinVar aggregate classification (germline): Uncertain significance (1 of 4 stars; one submission).

Conditions:
Dilated cardiomyopathy 1G (CMD1G). Identifiers: Orphanet 154, MedGen C1858763, MONDO:0011400, OMIM 604145.
Autosomal recessive limb-girdle muscular dystrophy type 2J (LGMDR10). Also called: MUSCULAR DYSTROPHY, LIMB-GIRDLE, AUTOSOMAL RECESSIVE 10; Limb-girdle muscular dystrophy, type 2J. Identifiers: Orphanet 140922, MedGen C1837342, MONDO:0012127, OMIM 608807.

Allele frequency attached by ClinVar (database versions not stated): gnomAD below 0.00001 and 0.00001.
gnomAD v4.1: 8 of 1,613,770 alleles (0.0005%); highest among the groups gnomAD compares: South Asian, 0.0077%; no homozygotes.

Submission:

Labcorp Genetics (formerly Invitae), Labcorp
Classification: Uncertain significance for Dilated cardiomyopathy 1G; Autosomal recessive limb-girdle muscular dystrophy type 2J. Last evaluated: 2022-03-19. Review status: criteria provided, single submitter. Criteria: Invitae Variant Classification Sherloc (09022015). Collection method: clinical testing. Allele origin: germline.
Comment: In summary, the available evidence is currently insufficient to determine the role of this variant in disease. Therefore, it has been classified as a Variant of Uncertain Significance. This variant is located in the M band of TTN (PMID: 25589632). Variants in this region may be relevant for neuromuscular disorders, but have not been definitively shown to cause cardiomyopathy (PMID: 23975875). Experimental studies and prediction algorithms are not available or were not evaluated, and the functional significance of this variant is currently unknown. ClinVar contains an entry for this variant (Variation ID: 665597). This variant has not been reported in the literature in individuals affected with TTN-related conditions. This variant is not present in population databases (gnomAD no frequency). This sequence change replaces aspartic acid, which is acidic and polar, with histidine, which is basic and polar, at codon 34249 of the TTN protein (p.Asp34249His).

Literature cited by the submitters: PubMed 25589632; PubMed 23975875.

NM_001267550.2(TTN):c.102745G>C (p.Asp34249His)

Genes: TTN-AS1 (TTN antisense RNA 1; plus strand), TTN (titin; minus strand). Cytogenetic location: 2q31.2.
Variant type: single nucleotide variant.
Coding change: c.102745G>C on transcript NM_001267550.2 (MANE Select); coding-DNA position 102745, G replaced by C.
Protein change: p.Asp34249His; replaces aspartic acid 34249 with histidine.
Molecular consequence: missense variant.
Genome position (GRCh38, 1-based): chr2:178,533,870, C>G on the plus strand (G>C on the coding strand, the complement: TTN is on the minus strand). VCF-style: chr2-178533870-C-G. GRCh37 (hg19) VCF-style: chr2-179398597-C-G.
Other names: c.97822G>C, p.Asp32608His (NM_001256850.1); c.75550G>C, p.Asp25184His (NM_003319.4); c.95041G>C, p.Asp31681His (NM_133378.4); c.75925G>C, p.Asp25309His (NM_133432.3); c.76126G>C, p.Asp25376His (NM_133437.4); short protein forms D32608H, D34249H, D25184H, D25376H, D25309H, D31681H.
Identifiers: ClinVar variation 665597 (VCV000665597.8), dbSNP rs1575271973, ClinGen allele CA349416847.